The following is an entry in ClinVar:

ClinVar aggregate classification (germline): Benign. Review status: criteria provided, multiple submitters, no conflicts (2 of 4 stars). 3 submissions from 3 submitters: Benign (3). Last evaluated 2018-06-23.

Conditions:
Melanoma, cutaneous malignant, susceptibility to, 5. Also called: Cutaneous malignant melanoma 5. Identifiers: Orphanet 618, MedGen C2751295, MONDO:0013133, OMIM 613099.

Allele frequency attached by ClinVar (database versions not stated): 1000 Genomes Project 0.04553; TOPMed 0.04779; 1000 Genomes Project 30x 0.04997.
gnomAD v4.1: 9,211 of 680,126 alleles (1.4%); highest among the groups gnomAD compares: African/African-American, 15%; 677 homozygotes.

Submissions (3):

GeneDx
Classification: Benign. Last evaluated: 2018-06-23. Review status: criteria provided, single submitter. Criteria: GeneDx Variant Classification Process June 2021. Collection method: clinical testing. Allele origin: germline. Affected: yes.

Illumina Laboratory Services, Illumina
Classification: Benign for Melanoma, cutaneous malignant, susceptibility to, 5. Last evaluated: 2018-01-12. Review status: criteria provided, single submitter. Criteria: ICSL Variant Classification Criteria 13 December 2019. Collection method: clinical testing. Allele origin: germline.
Comment: This variant was observed in the ICSL laboratory as part of a predisposition screen in an ostensibly healthy population. It had not been previously curated by ICSL or reported in the Human Gene Mutation Database (HGMD: prior to June 1st, 2018), and was therefore a candidate for classification through an automated scoring system. Utilizing variant allele frequency, disease prevalence and penetrance estimates, and inheritance mode, an automated score was calculated to assess if this variant is too frequent to cause the disease. Based on the score and internal cut-off values, a variant classified as benign is not then subjected to further curation. The score for this variant resulted in a classification of benign for this disease.

Breakthrough Genomics
Classification: Benign. Review status: criteria provided, single submitter. Criteria: ACMG Guidelines, 2015. Collection method: not provided. Allele origin: germline. Inheritance: Autosomal recessive inheritance. Affected: yes.

NM_002386.4(MC1R):c.*157C>A

Gene: MC1R (melanocortin 1 receptor; plus strand). Cytogenetic location: 16q24.3.
Variant type: single nucleotide variant.
Coding change: c.*157C>A on transcript NM_002386.4 (MANE Select); 157 bases downstream of the stop codon, C replaced by A.
Molecular consequence: 3 prime UTR variant.
Genome position (GRCh38, 1-based): chr16:89,920,369, C>A. VCF-style: chr16-89920369-C-A. GRCh37 (hg19) VCF-style: chr16-89986777-C-A.
Identifiers: ClinVar variation 321445 (VCV000321445.8), dbSNP rs3212370, ClinGen allele CA10644687.
Genomic context (GRCh38, chr16:89,920,369, plus strand): 5'-TGGTCCCCGTTTGTCAAAGAGGATGGACTAAATGATCTCTGAAAGTGTTGAAGCGCGGAC[C>A]CTTCTGGGTCCAGGGAGGGGTCCCTGCAAAACTCCAGGCAGGACTTCTCACCAGCAGTCG-3'